The following is an entry in ClinVar:

NM_000059.4(BRCA2):c.7184A>G (p.His2395Arg)

Gene: BRCA2 (BRCA2 DNA repair associated; plus strand). Cytogenetic location: 13q13.1.
Variant type: single nucleotide variant.
Coding change: c.7184A>G on transcript NM_000059.4 (MANE Select); coding-DNA position 7184, A replaced by G.
Protein change: p.His2395Arg; replaces histidine 2395 with arginine.
Molecular consequence: missense variant.
Genome position (GRCh38, 1-based): chr13:32,355,037, A>G. VCF-style: chr13-32355037-A-G. GRCh37 (hg19) VCF-style: chr13-32929174-A-G.
Other names: c.7088A>G, p.His2363Arg (NM_001406719.1); c.7184A>G, p.His2395Arg (NM_001406720.1); c.2252A>G, p.His751Arg (NM_001406721.1); c.767A>G, p.His256Arg (NM_001406722.1); short protein forms H2363R, H2395R, H256R, H751R.
Identifiers: ClinVar variation 1944681 (VCV001944681.6), dbSNP rs1593917980, ClinGen allele CA387739645.

ClinVar aggregate classification (germline): Uncertain significance. Review status: criteria provided, multiple submitters, no conflicts (2 of 4 stars). 2 submissions from 2 submitters: Uncertain significance (2). Last evaluated 2025-01-09.

Conditions:
Hereditary cancer-predisposing syndrome. Also called: Tumor predisposition; Hereditary neoplastic syndrome; Neoplastic Syndromes, Hereditary; Hereditary Cancer Syndrome. Identifiers: Orphanet 140162, MedGen C0027672, MeSH D009386, MONDO:0015356.
Hereditary breast ovarian cancer syndrome. Also called: Hereditary breast and ovarian cancer; Hereditary breast and/or ovarian cancer syndrome; Breast and ovarian cancer; BRCA1- and BRCA2-Associated Hereditary Breast and Ovarian Cancer; Hereditary breast and ovarian cancer syndrome; Hereditary breast and ovarian cancer syndrome (HBOC). Identifiers: Orphanet 145, MedGen C0677776, MeSH D061325, MONDO:0003582. Disease mechanism: loss of function.

Submissions (2):

Ambry Genetics
Classification: Uncertain significance for Hereditary cancer-predisposing syndrome. Last evaluated: 2025-01-09. Review status: criteria provided, single submitter. Criteria: Ambry Variant Classification Scheme 2023. Collection method: clinical testing. Allele origin: germline.
Comment: The p.H2395R variant (also known as c.7184A>G), located in coding exon 13 of the BRCA2 gene, results from an A to G substitution at nucleotide position 7184. The histidine at codon 2395 is replaced by arginine, an amino acid with highly similar properties. This amino acid position is conserved. In addition, this alteration is predicted to be tolerated by in silico analysis. Based on the available evidence, the clinical significance of this variant remains unclear.

Labcorp Genetics (formerly Invitae), Labcorp
Classification: Uncertain significance for Hereditary breast ovarian cancer syndrome. Last evaluated: 2024-03-07. Review status: criteria provided, single submitter. Criteria: Invitae Variant Classification Sherloc (09022015). Collection method: clinical testing. Allele origin: germline.
Comment: This sequence change replaces histidine, which is basic and polar, with arginine, which is basic and polar, at codon 2395 of the BRCA2 protein (p.His2395Arg). This variant is not present in population databases (gnomAD no frequency). This variant has not been reported in the literature in individuals affected with BRCA2-related conditions. ClinVar contains an entry for this variant (Variation ID: 1944681). Advanced modeling of protein sequence and biophysical properties (such as structural, functional, and spatial information, amino acid conservation, physicochemical variation, residue mobility, and thermodynamic stability) performed at Invitae indicates that this missense variant is not expected to disrupt BRCA2 protein function with a negative predictive value of 95%. In summary, the available evidence is currently insufficient to determine the role of this variant in disease. Therefore, it has been classified as a Variant of Uncertain Significance.